The following is an entry in ClinVar:

ClinVar aggregate classification (germline): Uncertain significance. Review status: criteria provided, multiple submitters, no conflicts (2 of 4 stars). 2 submissions from 2 submitters: Uncertain significance (2). Last evaluated 2025-06-29.

Conditions:
Inborn genetic diseases. Identifiers: MedGen C0950123, MeSH D030342.

gnomAD v4.1: 4 of 1,613,330 alleles (0.00025%); highest among the groups gnomAD compares: Admixed American, 0.0067%; no homozygotes.

Submissions (2):

Labcorp Genetics (formerly Invitae), Labcorp
Classification: Uncertain significance. Last evaluated: 2025-06-29. Review status: criteria provided, single submitter. Criteria: Invitae Variant Classification Sherloc (09022015). Collection method: clinical testing. Allele origin: germline.
Comment: This sequence change replaces glutamine, which is neutral and polar, with arginine, which is basic and polar, at codon 286 of the ANKRD26 protein (p.Gln286Arg). This variant is present in population databases (no rsID available, gnomAD 0.1%). This variant has not been reported in the literature in individuals affected with ANKRD26-related conditions. ClinVar contains an entry for this variant (Variation ID: 3713967). An algorithm developed to predict the effect of missense changes on protein structure and function outputs the following: PolyPhen-2: "Benign". The arginine amino acid residue is found in multiple mammalian species, which suggests that this missense change does not adversely affect protein function. In summary, the available evidence is currently insufficient to determine the role of this variant in disease. Therefore, it has been classified as a Variant of Uncertain Significance.

Ambry Genetics
Classification: Uncertain significance for Inborn genetic diseases. Last evaluated: 2025-06-15. Review status: criteria provided, single submitter. Criteria: Ambry Variant Classification Scheme 2023. Collection method: clinical testing. Allele origin: germline.
Comment: The p.Q286R variant (also known as c.857A>G), located in coding exon 8 of the ANKRD26 gene, results from an A to G substitution at nucleotide position 857. The glutamine at codon 286 is replaced by arginine, an amino acid with highly similar properties. This amino acid position is conserved. In addition, this alteration is predicted to be tolerated by in silico analysis. Based on the available evidence, the clinical significance of this variant remains unclear.

NM_014915.3(ANKRD26):c.857A>G (p.Gln286Arg)

Gene: ANKRD26 (ankyrin repeat domain 26; minus strand). Cytogenetic location: 10p12.1.
Variant type: single nucleotide variant.
Coding change: c.857A>G on transcript NM_014915.3 (MANE Select); coding-DNA position 857, A replaced by G.
Protein change: p.Gln286Arg; replaces glutamine 286 with arginine.
Molecular consequence: missense variant.
Genome position (GRCh38, 1-based): chr10:27,077,650, T>C on the plus strand (A>G on the coding strand, the complement: ANKRD26 is on the minus strand). VCF-style: chr10-27077650-T-C. GRCh37 (hg19) VCF-style: chr10-27366579-T-C.
Other names: c.857A>G, p.Gln286Arg (NM_001256053.2); short protein forms Q286R.
Identifiers: ClinVar variation 3713967 (VCV003713967.3).